The following is an entry in ClinVar:

NM_001374736.1(DST):c.21470G>A (p.Arg7157His)

Gene: DST (dystonin; minus strand). Cytogenetic location: 6p12.1.
Variant type: single nucleotide variant.
Coding change: c.21470G>A on transcript NM_001374736.1 (MANE Select); coding-DNA position 21470, G replaced by A.
Protein change: p.Arg7157His; replaces arginine 7157 with histidine.
Molecular consequence: missense variant.
Genome position (GRCh38, 1-based): chr6:56,482,111, C>T on the plus strand (G>A on the coding strand, the complement: DST is on the minus strand). VCF-style: chr6-56482111-C-T. GRCh37 (hg19) VCF-style: chr6-56346909-C-T.
Other names: c.15113G>A, p.Arg5038His (NM_001144769.5); c.14699G>A, p.Arg4900His (NM_001144770.2); c.21470G>A, p.Arg7157His (NM_001374722.1); c.20510G>A, p.Arg6837His (NM_001374729.1); c.14252G>A, p.Arg4751His (NM_001374730.1); c.21497G>A, p.Arg7166His (NM_001374734.1); c.13601G>A, p.Arg4534His (NM_015548.5); c.14579G>A, p.Arg4860His (NM_183380.4); short protein forms R4534H, R4900H, R7166H, R4860H, R5038H, R4751H, R6837H, R7157H.
Identifiers: ClinVar variation 969460 (VCV000969460.12), dbSNP rs576138885, ClinGen allele CA3866463.

ClinVar aggregate classification (germline): Uncertain significance. Review status: criteria provided, multiple submitters, no conflicts (2 of 4 stars). 2 submissions from 2 submitters: Uncertain significance (2). Last evaluated 2022-03-27.

Conditions:
Epidermolysis bullosa simplex 3, localized or generalized intermediate, with BP230 deficiency (EBS3). Also called: Epidermolysis bullosa simplex, autosomal recessive 2; Epidermolysis bullosa simplex due to BP230 deficiency. Identifiers: Orphanet 412181, MedGen C3809470, MONDO:0014180, OMIM 615425.
Hereditary sensory and autonomic neuropathy type 6. Also called: Neuropathy, hereditary sensory and autonomic, type VI; HSAN VI. Identifiers: Orphanet 314381, MedGen C3539003, MONDO:0013839, OMIM 614653.
Inborn genetic diseases. Identifiers: MedGen C0950123, MeSH D030342.

Allele frequency attached by ClinVar (database versions not stated): TOPMed below 0.00001; ExAC 0.00001; gnomAD 0.00001; gnomAD exomes 0.00002 and 0.00003; 1000 Genomes Project 30x 0.00016; 1000 Genomes Project 0.00020.
gnomAD v4.1: 24 of 1,613,482 alleles (0.0015%); highest among the groups gnomAD compares: Non-Finnish European, 0.0015%; no homozygotes.

Submissions (2):

Labcorp Genetics (formerly Invitae), Labcorp
Classification: Uncertain significance for Epidermolysis bullosa simplex 3, localized or generalized intermediate, with BP230 deficiency; Hereditary sensory and autonomic neuropathy type 6. Last evaluated: 2022-03-27. Review status: criteria provided, single submitter. Criteria: Invitae Variant Classification Sherloc (09022015). Collection method: clinical testing. Allele origin: germline.
Comment: This variant has not been reported in the literature in individuals affected with DST-related conditions. In summary, the available evidence is currently insufficient to determine the role of this variant in disease. Therefore, it has been classified as a Variant of Uncertain Significance. Experimental studies and prediction algorithms are not available or were not evaluated, and the functional significance of this variant is currently unknown. This variant is present in population databases (rs576138885, gnomAD 0.04%). This sequence change replaces arginine, which is basic and polar, with histidine, which is basic and polar, at codon 4534 of the DST protein (p.Arg4534His). The DST gene has multiple clinically relevant transcripts. This variant occurs in alternate transcript NM_015548.4, and corresponds to NM_001723.5:c.*133406G>A in the primary transcript.

Ambry Genetics
Classification: Uncertain significance for Inborn genetic diseases. Last evaluated: 2021-05-04. Review status: criteria provided, single submitter. Criteria: Ambry Variant Classification Scheme 2023. Collection method: clinical testing. Allele origin: germline.
Comment: The p.R5038H variant (also known as c.15113G>A), located in coding exon 84 of the DST gene, results from a G to A substitution at nucleotide position 15113. The arginine at codon 5038 is replaced by histidine, an amino acid with highly similar properties. This amino acid position is highly conserved in available vertebrate species. In addition, the in silico prediction for this alteration is inconclusive. Since supporting evidence is limited at this time, the clinical significance of this alteration remains unclear.